The following is an entry in ClinVar:

ClinVar aggregate classification (germline): Uncertain significance. Review status: criteria provided, multiple submitters, no conflicts (2 of 4 stars). 2 submissions from 2 submitters: Uncertain significance (2). Last evaluated 2026-08-31.

Conditions:
Inborn genetic diseases. Identifiers: MedGen C0950123, MeSH D030342.
Developmental and epileptic encephalopathy, 8 (DEE8). Also called: HYPEREKPLEXIA AND EPILEPSY. Identifiers: Orphanet 163985, Orphanet 2076, MedGen C1845102, MONDO:0010375, OMIM 300607.

Allele frequency attached by ClinVar (database versions not stated): gnomAD exomes below 0.00001; TOPMed 0.00001.
gnomAD v4.1: 2 of 1,206,425 alleles (0.00017%); highest among the groups gnomAD compares: African/African-American, 0.0035%; no homozygotes.

Submissions (2):

Ambry Genetics
Classification: Uncertain significance for Inborn genetic diseases. Last evaluated: 2026-08-31. Review status: criteria provided, single submitter. Criteria: Ambry Variant Classification Scheme 2023. Collection method: clinical testing. Allele origin: germline.

Labcorp Genetics (formerly Invitae), Labcorp
Classification: Uncertain significance for Developmental and epileptic encephalopathy, 8. Last evaluated: 2022-11-15. Review status: criteria provided, single submitter. Criteria: Invitae Variant Classification Sherloc (09022015). Collection method: clinical testing. Allele origin: germline.
Comment: In summary, the available evidence is currently insufficient to determine the role of this variant in disease. Therefore, it has been classified as a Variant of Uncertain Significance. Advanced modeling of protein sequence and biophysical properties (such as structural, functional, and spatial information, amino acid conservation, physicochemical variation, residue mobility, and thermodynamic stability) performed at Invitae indicates that this missense variant is not expected to disrupt ARHGEF9 protein function. This variant has not been reported in the literature in individuals affected with ARHGEF9-related conditions. This variant is not present in population databases (gnomAD no frequency). This sequence change replaces proline, which is neutral and non-polar, with glutamine, which is neutral and polar, at codon 96 of the ARHGEF9 protein (p.Pro96Gln).

NM_001353921.2(ARHGEF9):c.308C>A (p.Pro103Gln)

Gene: ARHGEF9 (Cdc42 guanine nucleotide exchange factor 9; minus strand). Cytogenetic location: Xq11.1.
Variant type: single nucleotide variant.
Coding change: c.308C>A on transcript NM_001353921.2 (MANE Select); coding-DNA position 308, C replaced by A.
Protein change: p.Pro103Gln; replaces proline 103 with glutamine.
Molecular consequence: missense variant. On other transcripts: 5 prime UTR variant (3).
Genome position (GRCh38, 1-based): chrX:63,706,352, G>T on the plus strand (C>A on the coding strand, the complement: ARHGEF9 is on the minus strand). VCF-style: chrX-63706352-G-T. GRCh37 (hg19) VCF-style: chrX-62926232-G-T.
Other names: c.128C>A, p.Pro43Gln (NM_001173479.2); c.-20C>A (NM_001173480.2, NM_001369042.1); c.224C>A, p.Pro75Gln (NM_001330495.2, NM_001353927.2, NM_001369033.1 and 8 more transcripts); c.287C>A (NM_015185.2); c.308C>A, p.Pro103Gln (NM_001353922.2); c.326C>A, p.Pro109Gln (NM_001353923.1); c.107C>A, p.Pro36Gln (NM_001353924.2, NM_001353926.2, NM_001369039.1 and 1 more transcripts); c.287C>A, p.Pro96Gln (NM_001353928.2, NM_001369030.1, NM_001369031.1 and 2 more transcripts); and 1 more; short protein forms P103Q, P36Q, P75Q, P109Q, P96Q, P43Q.
Identifiers: ClinVar variation 2104694 (VCV002104694.5), dbSNP rs2052543103, ClinGen allele CA413402052.
Genomic context (GRCh38, chrX:63,706,352, plus strand): 5'-CGCTCAGTGCTCATTATCTCATTGATGACATTGGCCCGCATCTGGTCCCGGTTCTGTAGT[G>T]GCCGCCCCAGACAGAGGCAGTCTGAATTGGGGTCCAGGTGTCCGTTCTGCACATCGCTGG-3'
Protein context (NP_001340850.1, residues 93-113): PNSDCLCLGR[Pro103Gln]LQNRDQMRAN